The following is an entry in ClinVar:

NM_001367561.1(DOCK7):c.4230G>T (p.Met1410Ile)

Gene: DOCK7 (dedicator of cytokinesis 7; minus strand). Cytogenetic location: 1p31.3.
Variant type: single nucleotide variant.
Coding change: c.4230G>T on transcript NM_001367561.1 (MANE Select); coding-DNA position 4230, G replaced by T.
Protein change: p.Met1410Ile; replaces methionine 1410 with isoleucine.
Molecular consequence: missense variant.
Genome position (GRCh38, 1-based): chr1:62,513,496, C>A on the plus strand (G>T on the coding strand, the complement: DOCK7 is on the minus strand). VCF-style: chr1-62513496-C-A. GRCh37 (hg19) VCF-style: chr1-62979167-C-A.
Other names: c.4230G>T, p.Met1410Ile (NM_001271999.2, NM_001330614.2); c.4137G>T, p.Met1379Ile (NM_001272000.2, NM_001272001.2, NM_033407.4); short protein forms M1410I, M1379I.
Identifiers: ClinVar variation 1036402 (VCV001036402.11), dbSNP rs1644562638, ClinGen allele CA340624047.
Genomic context (GRCh38, chr1:62,513,496, plus strand): 5'-ATTCTCACCAGGAGGAGAAGCTATTGTGTACGTACCGAGCTGTCCTCGGCTTCGCCGTAC[C>A]ATTTCTTGCCTGGCACCTATGCTCCCAAGAATAGCTTCTTCAAGCTTTGCTCTCATGTCT-3'
Protein context (NP_001354490.1, residues 1400-1420): ILGSIGARQE[Met1410Ile]VRRSRGQLGT

ClinVar aggregate classification (germline): Uncertain significance (1 of 4 stars; one submission).

Conditions:
Developmental and epileptic encephalopathy, 23 (DEE23). Also called: Epileptic encephalopathy, early infantile, 23. Identifiers: Orphanet 411986, MedGen C4014492, MONDO:0014371, OMIM 615859.

Allele frequency attached by ClinVar (database versions not stated): gnomAD exomes below 0.00001.

Submission:

Labcorp Genetics (formerly Invitae), Labcorp
Classification: Uncertain significance for Developmental and epileptic encephalopathy, 23. Last evaluated: 2020-01-26. Review status: criteria provided, single submitter. Criteria: Invitae Variant Classification Sherloc (09022015). Collection method: clinical testing. Allele origin: germline.
Comment: This sequence change replaces methionine with isoleucine at codon 1410 of the DOCK7 protein (p.Met1410Ile). The methionine residue is moderately conserved and there is a small physicochemical difference between methionine and isoleucine. This variant is not present in population databases (ExAC no frequency). This variant has not been reported in the literature in individuals with DOCK7-related conditions. Algorithms developed to predict the effect of missense changes on protein structure and function are either unavailable or do not agree on the potential impact of this missense change (SIFT: "Tolerated"; PolyPhen-2: "Probably Damaging"; Align-GVGD: "Class C0"). In summary, the available evidence is currently insufficient to determine the role of this variant in disease. Therefore, it has been classified as a Variant of Uncertain Significance.